The following is an entry in ClinVar:

NM_001267550.2(TTN):c.72174T>C (p.Pro24058=)

Genes: TTN (titin; minus strand), TTN-AS1 (TTN antisense RNA 1; plus strand). Cytogenetic location: 2q31.2.
Variant type: single nucleotide variant.
Coding change: c.72174T>C on transcript NM_001267550.2 (MANE Select); coding-DNA position 72174, T replaced by C.
Protein change: p.Pro24058=; no amino-acid change (proline 24058 retained).
Molecular consequence: synonymous variant.
Genome position (GRCh38, 1-based): chr2:178,573,958, A>G on the plus strand (T>C on the coding strand, the complement: TTN is on the minus strand). VCF-style: chr2-178573958-A-G. GRCh37 (hg19) VCF-style: chr2-179438685-A-G.
Other names: c.67251T>C, p.Pro22417= (NM_001256850.1); c.44979T>C, p.Pro14993= (NM_003319.4); c.64470T>C, p.Pro21490= (NM_133378.4); c.45354T>C, p.Pro15118= (NM_133432.3); c.45555T>C, p.Pro15185= (NM_133437.4).
Identifiers: ClinVar variation 283742 (VCV000283742.33), dbSNP rs886042700, ClinGen allele CA10604582.

ClinVar aggregate classification (germline): Conflicting classifications of pathogenicity. Review status: criteria provided, conflicting classifications (1 of 4 stars). 4 submissions from 4 submitters: Uncertain significance (2); Likely benign (2). Last evaluated 2023-09-01.

Conditions:
Autosomal recessive limb-girdle muscular dystrophy type 2J (LGMDR10). Also called: Limb-girdle muscular dystrophy, type 2J; MUSCULAR DYSTROPHY, LIMB-GIRDLE, AUTOSOMAL RECESSIVE 10. Identifiers: Orphanet 140922, MedGen C1837342, MONDO:0012127, OMIM 608807.
Dilated cardiomyopathy 1G (CMD1G). Identifiers: Orphanet 154, MedGen C1858763, MONDO:0011400, OMIM 604145.

Allele frequency attached by ClinVar (database versions not stated): gnomAD exomes below 0.00001.
gnomAD v4.1: 3 of 1,613,222 alleles (0.00019%); highest among the groups gnomAD compares: Non-Finnish European, 0.00025%; no homozygotes.

Submissions (4):

CeGaT Center for Human Genetics Tuebingen
Classification: Likely benign. Last evaluated: 2023-09-01. Review status: criteria provided, single submitter. Criteria: CeGaT Center For Human Genetics Tuebingen Variant Classification Criteria Version 2. Collection method: clinical testing. Allele origin: germline. Affected: yes. Observed: 1 variant allele.
Comment: TTN: PM2:Supporting, BP4, BP7

Labcorp Genetics (formerly Invitae), Labcorp
Classification: Likely benign for Dilated cardiomyopathy 1G; Autosomal recessive limb-girdle muscular dystrophy type 2J. Last evaluated: 2023-08-02. Review status: criteria provided, single submitter. Criteria: Invitae Variant Classification Sherloc (09022015). Collection method: clinical testing. Allele origin: germline.

Eurofins Ntd Llc (ga)
Classification: Uncertain significance. Last evaluated: 2015-10-04. Review status: criteria provided, single submitter. Criteria: EGL Classification Definitions 2015. Collection method: clinical testing. Allele origin: germline. Observed: 1 variant allele, 1 heterozygote.

Breakthrough Genomics
Classification: Uncertain significance. Review status: criteria provided, single submitter. Criteria: ACMG Guidelines, 2015. Collection method: not provided. Allele origin: germline. Inheritance: Autosomal recessive inheritance. Affected: yes.